The following is an entry in ClinVar:

ClinVar aggregate classification (germline): Uncertain significance. Review status: criteria provided, multiple submitters, no conflicts (2 of 4 stars). 6 submissions from 6 submitters: Uncertain significance (6). Last evaluated 2026-01-02.

Conditions:
Mitochondrial complex 2 deficiency, nuclear type 3. Also called: MITOCHONDRIAL COMPLEX II DEFICIENCY, NUCLEAR TYPE 3. Identifiers: MedGen C5436934, MONDO:0030937, OMIM 619167.
Hereditary cancer-predisposing syndrome. Also called: Neoplastic Syndromes, Hereditary; Hereditary neoplastic syndrome; Tumor predisposition; Hereditary Cancer Syndrome. Identifiers: Orphanet 140162, MedGen C0027672, MeSH D009386, MONDO:0015356.
Paragangliomas with sensorineural hearing loss. Identifiers: MedGen C1868633.
Pheochromocytoma. Also called: MAX-Related Hereditary Paraganglioma-Pheochromocytoma Syndrome. Identifiers: Orphanet 29072, MedGen C0031511, MONDO:0008233, OMIM 171300, HP:0002666.
Cowden syndrome 3 (CWS3). Identifiers: Orphanet 201, MedGen CN166604, MONDO:0014045.
Carney-Stratakis syndrome. Also called: PARAGANGLIOMA AND GASTROINTESTINAL STROMAL TUMOR. Identifiers: Orphanet 97286, MedGen C1847319, MONDO:0011740, OMIM 606864.
Pheochromocytoma/paraganglioma syndrome 1. Also called: Paragangliomas 1; Glomus tumors familial 1; Paraganglioma - glomus jugulare; SDHD-Related Hereditary Paraganglioma-Pheochromocytoma Syndrome; PARAGANGLIOMAS, FAMILIAL NONCHROMAFFIN, 1; PGL 1. Identifiers: Orphanet 29072, MedGen C3494181, MONDO:0008192, OMIM 168000.
Hereditary pheochromocytoma and paraganglioma. Also called: Hereditary Paraganglioma-Pheochromocytoma Syndromes; Hereditary paragangliomas and pheochromocytomas; Hereditary pheochromocytoma-paraganglioma. Identifiers: Orphanet 29072, MedGen C4274332, MONDO:0017366.

Allele frequency attached by ClinVar (database versions not stated): gnomAD exomes 0.00001; ExAC 0.00002.

Submissions (6):

Labcorp Genetics (formerly Invitae), Labcorp
Classification: Uncertain significance for Carney-Stratakis syndrome; Paragangliomas with sensorineural hearing loss; Pheochromocytoma; Cowden syndrome 3. Last evaluated: 2026-01-02. Review status: criteria provided, single submitter. Criteria: Invitae Variant Classification Sherloc (09022015). Collection method: clinical testing. Allele origin: germline.
Comment: This sequence change replaces alanine, which is neutral and non-polar, with proline, which is neutral and non-polar, at codon 29 of the SDHD protein (p.Ala29Pro). This variant is present in population databases (rs776930864, gnomAD 0.006%). This variant has not been reported in the literature in individuals affected with SDHD-related conditions. ClinVar contains an entry for this variant (Variation ID: 412496). Invitae Evidence Modeling of protein sequence and biophysical properties (such as structural, functional, and spatial information, amino acid conservation, physicochemical variation, residue mobility, and thermodynamic stability) indicates that this missense variant is not expected to disrupt SDHD protein function with a negative predictive value of 95%. In summary, the available evidence is currently insufficient to determine the role of this variant in disease. Therefore, it has been classified as a Variant of Uncertain Significance.

Ambry Genetics
Classification: Uncertain significance for Hereditary cancer-predisposing syndrome. Last evaluated: 2025-08-13. Review status: criteria provided, single submitter. Criteria: Ambry Variant Classification Scheme 2023. Collection method: clinical testing. Allele origin: germline.
Comment: The p.A29P variant (also known as c.85G>C), located in coding exon 2 of the SDHD gene, results from a G to C substitution at nucleotide position 85. The alanine at codon 29 is replaced by proline, an amino acid with highly similar properties. This amino acid position is well conserved in available vertebrate species. In addition, this alteration is predicted to be deleterious by in silico analysis. Based on the available evidence, the clinical significance of this variant remains unclear.

GeneDx
Classification: Uncertain significance. Last evaluated: 2024-11-26. Review status: criteria provided, single submitter. Criteria: GeneDx Variant Classification Process June 2021. Collection method: clinical testing. Allele origin: germline. Affected: yes.
Comment: Not observed at significant frequency in large population cohorts (gnomAD); In silico analysis supports that this missense variant has a deleterious effect on protein structure/function; Has not been previously published as pathogenic or benign to our knowledge

Color Diagnostics, LLC DBA Color Health
Classification: Uncertain significance for Hereditary pheochromocytoma and paraganglioma. Last evaluated: 2024-03-28. Review status: criteria provided, single submitter. Criteria: ACMG Guidelines, 2015. Collection method: clinical testing. Allele origin: germline.
Comment: This missense variant replaces alanine with proline at codon 29 of the SDHD protein. Computational prediction is inconclusive regarding the impact of this variant on protein structure and function. To our knowledge, functional studies have not been reported for this variant. This variant has not been reported in individuals affected with SDHD-related disorders in the literature. This variant has been identified in 2/251472 chromosomes in the general population by the Genome Aggregation Database (gnomAD). The available evidence is insufficient to determine the role of this variant in disease conclusively. Therefore, this variant is classified as a Variant of Uncertain Significance.

Fulgent Genetics
Classification: Uncertain significance for Pheochromocytoma/paraganglioma syndrome 1; Carney-Stratakis syndrome; Mitochondrial complex 2 deficiency, nuclear type 3. Last evaluated: 2024-01-18. Review status: criteria provided, single submitter. Criteria: ACMG Guidelines, 2015. Collection method: clinical testing. Allele origin: germline.

Baylor Genetics
Classification: Uncertain significance for Mitochondrial complex 2 deficiency, nuclear type 3. Last evaluated: 2023-09-24. Review status: criteria provided, single submitter. Criteria: ACMG Guidelines, 2015. Collection method: clinical testing. Allele origin: unknown.

NM_003002.4(SDHD):c.85G>C (p.Ala29Pro)

Gene: SDHD (succinate dehydrogenase complex subunit D; plus strand). Cytogenetic location: 11q23.1.
Variant type: single nucleotide variant.
Coding change: c.85G>C on transcript NM_003002.4 (MANE Select); coding-DNA position 85, G replaced by C.
Protein change: p.Ala29Pro; replaces alanine 29 with proline.
Molecular consequence: missense variant. On other transcripts: non-coding transcript variant (1), intron variant (1).
Genome position (GRCh38, 1-based): chr11:112,087,889, G>C. VCF-style: chr11-112087889-G-C. GRCh37 (hg19) VCF-style: chr11-111958613-G-C.
Other names: c.85G>C, p.Ala29Pro (NM_001276503.2, NM_001276506.2); c.52+930G>C (NM_001276504.2); short protein forms A29P.
Identifiers: ClinVar variation 412496 (VCV000412496.22), dbSNP rs776930864, ClinGen allele CA071569.
Genomic context (GRCh38, chr11:112,087,889, plus strand): 5'-ATGATCATCCTAATGACTCTTTCCTCAGCTCTGTTGCTTCGAACTCCAGTGGTCAGACCT[G>C]CTCATATCTCAGCATTTCTTCAGGACCGACCTATCCCAGAATGGTGTGGAGTGCAGCACA-3'
Protein context (NP_002993.1, residues 19-39): LLLRTPVVRP[Ala29Pro]HISAFLQDRP